The following is an entry in ClinVar:

ClinVar aggregate classification (germline): Pathogenic (1 of 4 stars; one submission).

Conditions:
Hereditary cancer-predisposing syndrome. Also called: Hereditary Cancer Syndrome; Neoplastic Syndromes, Hereditary; Tumor predisposition; Hereditary neoplastic syndrome. Identifiers: Orphanet 140162, MedGen C0027672, MeSH D009386, MONDO:0015356.

Submission:

Labcorp Genetics (formerly Invitae), Labcorp
Classification: Pathogenic for Hereditary cancer-predisposing syndrome. Last evaluated: 2023-07-30. Review status: criteria provided, single submitter. Criteria: Invitae Variant Classification Sherloc (09022015). Collection method: clinical testing. Allele origin: germline.
Comment: This sequence change creates a premature translational stop signal (p.Gln479Argfs*6) in the RAD50 gene. It is expected to result in an absent or disrupted protein product. Loss-of-function variants in RAD50 are known to be pathogenic (PMID: 19409520). This variant is not present in population databases (gnomAD no frequency). This variant has not been reported in the literature in individuals affected with RAD50-related conditions. For these reasons, this variant has been classified as Pathogenic.

Literature cited by the submitters: PubMed 19409520.

NM_005732.4(RAD50):c.1436_1437del (p.Gln479fs)

Gene: RAD50 (RAD50 double strand break repair protein; plus strand). Cytogenetic location: 5q31.1.
Variant type: Deletion.
Coding change: c.1436_1437del on transcript NM_005732.4 (MANE Select); coding-DNA positions 1436 to 1437, 2 bases deleted (AG; older notation c.1436_1437delAG).
Protein change: p.Gln479fs; shifts the reading frame from glutamine 479.
Molecular consequence: frameshift variant.
Genome position (GRCh38, 1-based): chr5:132,589,821-132,589,822, AG deleted. VCF-style (leftmost placement, unchanged base first): chr5-132589820-CAG-C. GRCh37 (hg19) VCF-style: chr5-131925512-CAG-C.
Other names: short protein forms Q479fs.
Identifiers: ClinVar variation 2791855 (VCV002791855.3), dbSNP rs2479637475, ClinGen allele CA2739275037.